The following is an entry in ClinVar:

ClinVar aggregate classification (germline): Uncertain significance (1 of 4 stars; one submission).

gnomAD v4.1: 6 of 1,613,998 alleles (0.00037%); highest among the groups gnomAD compares: Non-Finnish European, 0.00051%; no homozygotes.

Submission:

Labcorp Genetics (formerly Invitae), Labcorp
Classification: Uncertain significance. Last evaluated: 2021-10-25. Review status: criteria provided, single submitter. Criteria: Invitae Variant Classification Sherloc (09022015). Collection method: clinical testing. Allele origin: germline.
Comment: In summary, the available evidence is currently insufficient to determine the role of this variant in disease. Therefore, it has been classified as a Variant of Uncertain Significance. Algorithms developed to predict the effect of missense changes on protein structure and function are either unavailable or do not agree on the potential impact of this missense change (SIFT: "Tolerated"; PolyPhen-2: "Probably Damaging"; Align-GVGD: "Class C0"). This variant has not been reported in the literature in individuals affected with SCN3A-related conditions. This variant is present in population databases (rs139769668, ExAC 0.006%). This sequence change replaces arginine with leucine at codon 15 of the SCN3A protein (p.Arg15Leu). The arginine residue is highly conserved and there is a moderate physicochemical difference between arginine and leucine.

NM_006922.4(SCN3A):c.44G>T (p.Arg15Leu)

Gene: SCN3A (sodium voltage-gated channel alpha subunit 3; minus strand). Cytogenetic location: 2q24.3.
Variant type: single nucleotide variant.
Coding change: c.44G>T on transcript NM_006922.4 (MANE Select); coding-DNA position 44, G replaced by T.
Protein change: p.Arg15Leu; replaces arginine 15 with leucine.
Molecular consequence: missense variant.
Genome position (GRCh38, 1-based): chr2:165,176,351, C>A on the plus strand (G>T on the coding strand, the complement: SCN3A is on the minus strand). VCF-style: chr2-165176351-C-A. GRCh37 (hg19) VCF-style: chr2-166032861-C-A.
Other names: c.44G>T, p.Arg15Leu (NM_001081676.2, NM_001081677.2); short protein forms R15L.
Identifiers: ClinVar variation 1357207 (VCV001357207.6), dbSNP rs139769668, ClinGen allele CA1939511.